The following is an entry in ClinVar:

ClinVar aggregate classification (germline): Uncertain significance (1 of 4 stars; one submission).

Allele frequency attached by ClinVar (database versions not stated): gnomAD exomes below 0.00001; TOPMed below 0.00001.
gnomAD v4.1: 2 of 1,614,160 alleles (0.00012%); highest among the groups gnomAD compares: Non-Finnish European, 0.000085%; no homozygotes.

Submission:

GeneDx
Classification: Uncertain significance. Last evaluated: 2014-06-09. Review status: criteria provided, single submitter. Criteria: GeneDx Variant Classification (06012015). Collection method: clinical testing. Allele origin: germline. Affected: yes.
Comment: p.Asp394Asn (GAC>AAC): c.1180 G>A in exon 12 of the MFSD8 gene (NM_152778.2)A variant of unknown significance has been identified in the MFSD8 gene. The D394N variant has not been published as a mutation, nor has it been reported as a benign polymorphism to our knowledge. Missense mutations in this region of the protein (P412L; D368H) have been reported in association with neuronal ceroid lipofuscinosis (NCL). The D394N variant was not observed in approximately 6,500 individuals of European and African American ancestry in the NHLBI Exome Sequencing Project, indicating it is not a common benign variant in these populations. It is a semi-conservative amino acid substitution, which may impact secondary protein structure as these residues differ in some properties. However, this substitution occurs at a position that is not conserved across species, and in silico analysis predicts the D394N variant likely does not alter the protein structure/function. Therefore, based on the currently available information, it is unclear whether this variant is a pathogenic mutation or a rare benign variant.The variant is found in EPILEPSY panel(s).

NM_001371596.2(MFSD8):c.1180G>A (p.Asp394Asn)

Gene: MFSD8 (major facilitator superfamily domain containing 8; minus strand). Cytogenetic location: 4q28.2.
Variant type: single nucleotide variant.
Coding change: c.1180G>A on transcript NM_001371596.2 (MANE Select); coding-DNA position 1180, G replaced by A.
Protein change: p.Asp394Asn; replaces aspartic acid 394 with asparagine.
Molecular consequence: missense variant.
Genome position (GRCh38, 1-based): chr4:127,921,694, C>T on the plus strand (G>A on the coding strand, the complement: MFSD8 is on the minus strand). VCF-style: chr4-127921694-C-T. GRCh37 (hg19) VCF-style: chr4-128842849-C-T.
Other names: p.D394N:GAC>AAC; c.979G>A, p.Asp327Asn (NM_001363520.3); c.865G>A, p.Asp289Asn (NM_001363521.3); c.1045G>A, p.Asp349Asn (NM_001371590.2); c.1180G>A, p.Asp394Asn (NM_001371591.2, NM_152778.4); c.1186G>A, p.Asp396Asn (NM_001371592.2); c.1066G>A, p.Asp356Asn (NM_001371593.2); c.1033G>A, p.Asp345Asn (NM_001371594.2); and 3 more; short protein forms D394N, D289N, D327N, D300N, D345N, D349N, D356N, D396N.
Identifiers: ClinVar variation 206162 (VCV000206162.4), dbSNP rs768627011, ClinGen allele CA315986.